The following is an entry in ClinVar:

ClinVar aggregate classification (germline): Conflicting classifications of pathogenicity. Review status: criteria provided, conflicting classifications (1 of 4 stars). 4 submissions from 4 submitters: Uncertain significance (2); Benign (1); Likely benign (1). Last evaluated 2025-03-11.

Allele frequency attached by ClinVar (database versions not stated): gnomAD exomes 0.00017; ExAC 0.00020; gnomAD 0.00030 and 0.00031; 1000 Genomes Project 30x 0.00031.
gnomAD v4.1: 481 of 1,538,720 alleles (0.031%); highest among the groups gnomAD compares: Non-Finnish European, 0.038%; no homozygotes.

Submissions (4):

Labcorp Genetics (formerly Invitae), Labcorp
Classification: Benign. Last evaluated: 2025-03-11. Review status: criteria provided, single submitter. Criteria: Invitae Variant Classification Sherloc (09022015). Collection method: clinical testing. Allele origin: germline.

Blueprint Genetics
Classification: Likely benign. Last evaluated: 2024-09-16. Review status: criteria provided, single submitter. Criteria: ACMG Guidelines, 2015. Collection method: clinical testing. Allele origin: germline.

Revvity Omics, Revvity
Classification: Uncertain significance. Last evaluated: 2024-02-12. Review status: criteria provided, single submitter. Criteria: ACMG Guidelines, 2015. Collection method: clinical testing. Allele origin: germline.

Mayo Clinic Laboratories, Mayo Clinic
Classification: Uncertain significance. Last evaluated: 2023-12-29. Review status: criteria provided, single submitter. Criteria: ACMG Guidelines, 2015. Collection method: clinical testing. Allele origin: germline. Observed: 1 variant allele.
Comment: BP4

NM_001142864.4(PIEZO1):c.2167C>T (p.Arg723Cys)

Genes: HSALR1 (HSP90AB1 associated lncRNA 1; plus strand), PIEZO1 (piezo type mechanosensitive ion channel component 1 (Er blood group); minus strand). Cytogenetic location: 16q24.3.
Variant type: single nucleotide variant.
Coding change: c.2167C>T on transcript NM_001142864.4 (MANE Select); coding-DNA position 2167, C replaced by T.
Protein change: p.Arg723Cys; replaces arginine 723 with cysteine.
Molecular consequence: missense variant.
Genome position (GRCh38, 1-based): chr16:88,734,369, G>A on the plus strand (C>T on the coding strand, the complement: PIEZO1 is on the minus strand). VCF-style: chr16-88734369-G-A. GRCh37 (hg19) VCF-style: chr16-88800777-G-A.
Other names: p.Arg723Cys; short protein forms R723C.
Identifiers: ClinVar variation 1511909 (VCV001511909.12), dbSNP rs182793773, ClinGen allele CA8232856.